The following is an entry in ClinVar:

ClinVar aggregate classification (germline): Uncertain significance. Review status: criteria provided, multiple submitters, no conflicts (2 of 4 stars). 2 submissions from 2 submitters: Uncertain significance (2). Last evaluated 2024-06-02.

Conditions:
Hereditary cancer-predisposing syndrome. Also called: Tumor predisposition; Hereditary neoplastic syndrome; Neoplastic Syndromes, Hereditary; Hereditary Cancer Syndrome. Identifiers: Orphanet 140162, MedGen C0027672, MeSH D009386, MONDO:0015356.
Fanconi anemia (FA). Also called: Fanconi's anemia. Identifiers: Orphanet 84, MedGen C0015625, MeSH D005199, MONDO:0019391.

Allele frequency attached by ClinVar (database versions not stated): gnomAD exomes below 0.00001.
gnomAD v4.1: 1 of 1,613,270 alleles (0.000062%); highest among the groups gnomAD compares: African/African-American, 0.0013%; no homozygotes.

Submissions (2):

Ambry Genetics
Classification: Uncertain significance for Hereditary cancer-predisposing syndrome. Last evaluated: 2024-06-02. Review status: criteria provided, single submitter. Criteria: Ambry Variant Classification Scheme 2023. Collection method: clinical testing. Allele origin: germline.
Comment: The p.L157S variant (also known as c.470T>C), located in coding exon 5 of the FANCC gene, results from a T to C substitution at nucleotide position 470. The leucine at codon 157 is replaced by serine, an amino acid with dissimilar properties. This amino acid position is conserved. In addition, this alteration is predicted to be deleterious by in silico analysis. Based on the available evidence, the clinical significance of this variant remains unclear.

Labcorp Genetics (formerly Invitae), Labcorp
Classification: Uncertain significance for Fanconi anemia. Last evaluated: 2024-01-03. Review status: criteria provided, single submitter. Criteria: Invitae Variant Classification Sherloc (09022015). Collection method: clinical testing. Allele origin: germline.
Comment: This sequence change replaces leucine, which is neutral and non-polar, with serine, which is neutral and polar, at codon 157 of the FANCC protein (p.Leu157Ser). This variant is present in population databases (rs200828924, gnomAD 0.007%). This variant has not been reported in the literature in individuals affected with FANCC-related conditions. ClinVar contains an entry for this variant (Variation ID: 1500936). Advanced modeling of protein sequence and biophysical properties (such as structural, functional, and spatial information, amino acid conservation, physicochemical variation, residue mobility, and thermodynamic stability) performed at Invitae indicates that this missense variant is expected to disrupt FANCC protein function with a positive predictive value of 80%. In summary, the available evidence is currently insufficient to determine the role of this variant in disease. Therefore, it has been classified as a Variant of Uncertain Significance.

NM_000136.3(FANCC):c.470T>C (p.Leu157Ser)

Gene: FANCC (FA complementation group C; minus strand). Cytogenetic location: 9q22.32.
Variant type: single nucleotide variant.
Coding change: c.470T>C on transcript NM_000136.3 (MANE Select); coding-DNA position 470, T replaced by C.
Protein change: p.Leu157Ser; replaces leucine 157 with serine.
Molecular consequence: missense variant.
Genome position (GRCh38, 1-based): chr9:95,171,130, A>G on the plus strand (T>C on the coding strand, the complement: FANCC is on the minus strand). VCF-style: chr9-95171130-A-G. GRCh37 (hg19) VCF-style: chr9-97933412-A-G.
Other names: c.470T>C, p.Leu157Ser (NM_001243743.2, NM_001243744.2); c.470T>C (NM_000136.2); short protein forms L157S.
Identifiers: ClinVar variation 1500936 (VCV001500936.9), dbSNP rs200828924, ClinGen allele CA196885632.